The following is an entry in ClinVar:

ClinVar aggregate classification (germline): Uncertain significance. Review status: criteria provided, multiple submitters, no conflicts (2 of 4 stars). 3 submissions from 3 submitters: Uncertain significance (3). Last evaluated 2024-09-09.

Conditions:
Leukoencephalopathy with mild cerebellar ataxia and white matter edema (LKPAT). Also called: Leukoencephalopathy with ataxia; Leukoencephalopathy with white matter edema; Brain white matter edema; CLCN2-Related Leukoencephalopathy. Identifiers: Orphanet 363540, MedGen C4554120, MONDO:0014292, OMIM 615651. Disease mechanism: loss of function.
Familial hyperaldosteronism type II. Also called: FH II. Identifiers: Orphanet 404, MedGen C1854107, MONDO:0011576, OMIM 605635.
Epilepsy, idiopathic generalized, susceptibility to, 11 (EIG11). Identifiers: Orphanet 307, MedGen C2750893, MONDO:0011875, OMIM 607628.

gnomAD v4.1: 3 of 1,613,968 alleles (0.00019%); highest among the groups gnomAD compares: Non-Finnish European, 0.00025%; no homozygotes.

Submissions (3):

Blueprint Genetics
Classification: Uncertain significance. Last evaluated: 2024-09-09. Review status: criteria provided, single submitter. Criteria: ACMG Guidelines, 2015. Collection method: clinical testing. Allele origin: germline.

Fulgent Genetics
Classification: Uncertain significance for Familial hyperaldosteronism type II; Epilepsy, idiopathic generalized, susceptibility to, 11; Leukoencephalopathy with mild cerebellar ataxia and white matter edema. Last evaluated: 2024-06-19. Review status: criteria provided, single submitter. Criteria: ACMG Guidelines, 2015. Collection method: clinical testing. Allele origin: germline.

Labcorp Genetics (formerly Invitae), Labcorp
Classification: Uncertain significance. Last evaluated: 2022-07-25. Review status: criteria provided, single submitter. Criteria: Invitae Variant Classification Sherloc (09022015). Collection method: clinical testing. Allele origin: germline.
Comment: This sequence change replaces arginine, which is basic and polar, with cysteine, which is neutral and slightly polar, at codon 428 of the CLCN2 protein (p.Arg428Cys). In summary, the available evidence is currently insufficient to determine the role of this variant in disease. Therefore, it has been classified as a Variant of Uncertain Significance. Algorithms developed to predict the effect of missense changes on protein structure and function are either unavailable or do not agree on the potential impact of this missense change (SIFT: "Deleterious"; PolyPhen-2: "Probably Damaging"; Align-GVGD: "Class C0"). This variant has not been reported in the literature in individuals affected with CLCN2-related conditions. This variant is not present in population databases (gnomAD no frequency).

NM_004366.6(CLCN2):c.1282C>T (p.Arg428Cys)

Gene: CLCN2 (chloride voltage-gated channel 2; minus strand). Cytogenetic location: 3q27.1.
Variant type: single nucleotide variant.
Coding change: c.1282C>T on transcript NM_004366.6 (MANE Select); coding-DNA position 1282, C replaced by T.
Protein change: p.Arg428Cys; replaces arginine 428 with cysteine.
Molecular consequence: missense variant.
Genome position (GRCh38, 1-based): chr3:184,355,418, G>A on the plus strand (C>T on the coding strand, the complement: CLCN2 is on the minus strand). VCF-style: chr3-184355418-G-A. GRCh37 (hg19) VCF-style: chr3-184073206-G-A.
Other names: c.1282C>T, p.Arg428Cys (NM_001171087.3, NM_001171089.3); c.1150C>T, p.Arg384Cys (NM_001171088.3); short protein forms R428C, R384C.
Identifiers: ClinVar variation 2141897 (VCV002141897.6), dbSNP rs2474248493, ClinGen allele CA355452203.